The following is an entry in ClinVar:

ClinVar aggregate classification (germline): Uncertain significance (1 of 4 stars; one submission).

Conditions:
Alzheimer disease. Also called: Presenile and senile dementia; Alzheimer's disease. Identifiers: Orphanet 1020, MedGen C0002395, MeSH D000544, MONDO:0004975, HP:0002511.

Allele frequency attached by ClinVar (database versions not stated): ExAC 0.00002; gnomAD 0.00002; TOPMed 0.00002.
gnomAD v4.1: 73 of 1,605,494 alleles (0.0045%); highest among the groups gnomAD compares: South Asian, 0.011%; no homozygotes.

Submission:

Labcorp Genetics (formerly Invitae), Labcorp
Classification: Uncertain significance for Alzheimer disease. Last evaluated: 2024-04-13. Review status: criteria provided, single submitter. Criteria: Invitae Variant Classification Sherloc (09022015). Collection method: clinical testing. Allele origin: germline.
Comment: This sequence change falls in intron 16 of the APP gene. It does not directly change the encoded amino acid sequence of the APP protein. It affects a nucleotide within the consensus splice site. This variant is present in population databases (rs761685279, gnomAD 0.006%). This variant has not been reported in the literature in individuals affected with APP-related conditions. ClinVar contains an entry for this variant (Variation ID: 2045363). Variants that disrupt the consensus splice site are a relatively common cause of aberrant splicing (PMID: 17576681, 9536098). Algorithms developed to predict the effect of sequence changes on RNA splicing suggest that this variant is not likely to affect RNA splicing. In summary, the available evidence is currently insufficient to determine the role of this variant in disease. Therefore, it has been classified as a Variant of Uncertain Significance.

Literature cited by the submitters: PubMed 17576681; PubMed 9536098.

NM_000484.4(APP):c.2064+4C>T

Gene: APP (amyloid beta precursor protein; minus strand). Cytogenetic location: 21q21.3.
Variant type: single nucleotide variant.
Coding change: c.2064+4C>T on transcript NM_000484.4 (MANE Select); 4 bases into the intron after coding-DNA position 2064, C replaced by T.
Molecular consequence: intron variant.
Genome position (GRCh38, 1-based): chr21:25,897,569, G>A on the plus strand (C>T on the coding strand, the complement: APP is on the minus strand). VCF-style: chr21-25897569-G-A. GRCh37 (hg19) VCF-style: chr21-27269881-G-A.
Other names: c.1734+4C>T (NM_001136131.3); c.1671+4C>T (NM_001136129.3); c.1896+4C>T (NM_001136130.3, NM_001385253.1); c.1785+4C>T (NM_001204303.2); c.1839+4C>T (NM_201414.3); c.1953+4C>T (NM_001204302.2); c.2007+4C>T (NM_201413.3); c.2010+4C>T (NM_001204301.2); and 1 more.
Identifiers: ClinVar variation 2045363 (VCV002045363.4), dbSNP rs761685279, ClinGen allele CA9987086.